The following is an entry in ClinVar:

ClinVar aggregate classification (germline): Conflicting classifications of pathogenicity. Review status: criteria provided, conflicting classifications (1 of 4 stars). 4 submissions from 4 submitters: Uncertain significance (2); Benign (1); Likely benign (1). Last evaluated 2025-12-22.

Conditions:
Heterotopia, periventricular, X-linked dominant (PVNH1). Also called: PERIVENTRICULAR NODULAR HETEROTOPIA 4; HETEROTOPIA, PERIVENTRICULAR, 1; PERIVENTRICULAR NODULAR HETEROTOPIA 1; X-linked periventricular heterotopia. Identifiers: Orphanet 2149, Orphanet 82004, MedGen C1848213, MONDO:0010233, OMIM 300049.
Melnick-Needles syndrome (MNS). Also called: Melnick-Needles Syndrome (FLNA-MNS); MELNICK-NEEDLES OSTEODYSPLASTY; OSTEODYSPLASTY OF MELNICK AND NEEDLES. Identifiers: Orphanet 2484, MedGen C0025237, MONDO:0010650, OMIM 309350.
Frontometaphyseal dysplasia (FMD1). Identifiers: Orphanet 1826, MedGen C0265293, MONDO:0015942.
Oto-palato-digital syndrome, type II (OPD2). Also called: Otopalatodigital Syndrome Type 2 (FLNA-OPD2); Otopalatodigital Syndrome, Type II; FACIOPALATOOSSEOUS SYNDROME; OPD II SYNDROME. Identifiers: Orphanet 669, Orphanet 90652, MedGen C1844696, MONDO:0010571, OMIM 304120.
Familial thoracic aortic aneurysm and aortic dissection (TAAD). Also called: Thoracic aortic aneurysms and dissections. Identifiers: Orphanet 91387, MedGen C4707243, MONDO:0019625.

Allele frequency attached by ClinVar (database versions not stated): ExAC 0.00001; gnomAD exomes 0.00001 and 0.00002; gnomAD 0.00002 and 0.00003; TOPMed 0.00003.
gnomAD v4.1: 7 of 1,211,243 alleles (0.00058%); highest among the groups gnomAD compares: Admixed American, 0.015%; no homozygotes.

Submissions (4):

Labcorp Genetics (formerly Invitae), Labcorp
Classification: Benign for Oto-palato-digital syndrome, type II; Heterotopia, periventricular, X-linked dominant; Frontometaphyseal dysplasia; Melnick-Needles syndrome. Last evaluated: 2025-12-22. Review status: criteria provided, single submitter. Criteria: Invitae Variant Classification Sherloc (09022015). Collection method: clinical testing. Allele origin: germline.

ARUP Laboratories, Molecular Genetics and Genomics, ARUP Laboratories
Classification: Uncertain significance. Last evaluated: 2025-05-09. Review status: criteria provided, single submitter. Criteria: ARUP Molecular Germline Variant Investigation Process 2024. Collection method: clinical testing. Allele origin: germline.
Comment: The FLNA c.5035A>G; p.Thr1679Ala variant (rs782469665), to our knowledge, is not reported in the medical literature but is reported in ClinVar (Variation ID: 569597). This variant is found in the general population with an overall allele frequency of 0.002% (4/181461 alleles, including 2 hemizygotes) in the Genome Aggregation Database. Computational analyses are uncertain whether this variant is neutral or deleterious (REVEL: 0.272). Due to limited information, the clinical significance of this variant is uncertain at this time.

Women's Health and Genetics/Laboratory Corporation of America, LabCorp
Classification: Uncertain significance. Last evaluated: 2025-03-28. Review status: criteria provided, single submitter. Criteria: LabCorp Variant Classification Summary - May 2015. Collection method: clinical testing. Allele origin: germline.

Ambry Genetics
Classification: Likely benign for Familial thoracic aortic aneurysm and aortic dissection. Last evaluated: 2024-09-19. Review status: criteria provided, single submitter. Criteria: Ambry Variant Classification Scheme 2023. Collection method: clinical testing. Allele origin: germline.

NM_001110556.2(FLNA):c.5059A>G (p.Thr1687Ala)

Gene: FLNA (filamin A; minus strand). Cytogenetic location: Xq28.
Variant type: single nucleotide variant.
Coding change: c.5059A>G on transcript NM_001110556.2 (MANE Select); coding-DNA position 5059, A replaced by G.
Protein change: p.Thr1687Ala; replaces threonine 1687 with alanine.
Molecular consequence: missense variant.
Genome position (GRCh38, 1-based): chrX:154,354,983, T>C on the plus strand (A>G on the coding strand, the complement: FLNA is on the minus strand). VCF-style: chrX-154354983-T-C. GRCh37 (hg19) VCF-style: chrX-153583351-T-C.
Other names: c.5035A>G, p.Thr1679Ala (NM_001456.4); short protein forms T1679A, T1687A.
Identifiers: ClinVar variation 569597 (VCV000569597.14), dbSNP rs782469665, ClinGen allele CA10560398.